The following is an entry in ClinVar:

NM_007198.4(PLPBP):c.490A>G (p.Ile164Val)

Gene: PLPBP (pyridoxal phosphate binding protein; plus strand). Cytogenetic location: 8p11.23.
Variant type: single nucleotide variant.
Coding change: c.490A>G on transcript NM_007198.4 (MANE Select); coding-DNA position 490, A replaced by G.
Protein change: p.Ile164Val; replaces isoleucine 164 with valine.
Molecular consequence: missense variant.
Genome position (GRCh38, 1-based): chr8:37,775,374, A>G. VCF-style: chr8-37775374-A-G. GRCh37 (hg19) VCF-style: chr8-37632892-A-G.
Other names: c.520A>G, p.Ile174Val (NM_001349346.2); c.484A>G, p.Ile162Val (NM_001349347.2); c.334A>G, p.Ile112Val (NM_001349348.2); short protein forms I112V, I162V, I164V, I174V.
Identifiers: ClinVar variation 2069867 (VCV002069867.2), dbSNP rs143064520, ClinGen allele CA4711256.

ClinVar aggregate classification (germline): Conflicting classifications of pathogenicity. Review status: criteria provided, conflicting classifications (1 of 4 stars). 2 submissions from 2 submitters: Uncertain significance (1); Likely benign (1). Last evaluated 2024-03-16.

Allele frequency attached by ClinVar (database versions not stated): ESP Exome Variant Server 0.00008; gnomAD 0.00009; gnomAD exomes 0.00010; TOPMed 0.00010; ExAC 0.00011.
gnomAD v4.1: 154 of 1,614,072 alleles (0.0095%); highest among the groups gnomAD compares: Non-Finnish European, 0.013%; no homozygotes.

Submissions (2):

Blueprint Genetics
Classification: Likely benign. Last evaluated: 2024-03-16. Review status: criteria provided, single submitter. Criteria: ACMG Guidelines, 2015. Collection method: clinical testing. Allele origin: germline.

Labcorp Genetics (formerly Invitae), Labcorp
Classification: Uncertain significance. Last evaluated: 2022-10-17. Review status: criteria provided, single submitter. Criteria: Invitae Variant Classification Sherloc (09022015). Collection method: clinical testing. Allele origin: germline.
Comment: This sequence change replaces isoleucine, which is neutral and non-polar, with valine, which is neutral and non-polar, at codon 164 of the PROSC protein (p.Ile164Val). This variant is present in population databases (rs143064520, gnomAD 0.02%). This variant has not been reported in the literature in individuals affected with PROSC-related conditions. Advanced modeling of protein sequence and biophysical properties (such as structural, functional, and spatial information, amino acid conservation, physicochemical variation, residue mobility, and thermodynamic stability) performed at Invitae indicates that this missense variant is not expected to disrupt PROSC protein function. In summary, the available evidence is currently insufficient to determine the role of this variant in disease. Therefore, it has been classified as a Variant of Uncertain Significance.